The following is an entry in ClinVar:

NM_001003694.2(BRPF1):c.3049G>A (p.Ala1017Thr)

Gene: BRPF1 (bromodomain and PHD finger containing 1; plus strand). Cytogenetic location: 3p25.3.
Variant type: single nucleotide variant.
Coding change: c.3049G>A on transcript NM_001003694.2 (MANE Select); coding-DNA position 3049, G replaced by A.
Protein change: p.Ala1017Thr; replaces alanine 1017 with threonine.
Molecular consequence: missense variant. On other transcripts: non-coding transcript variant (1).
Genome position (GRCh38, 1-based): chr3:9,745,136, G>A. VCF-style: chr3-9745136-G-A. GRCh37 (hg19) VCF-style: chr3-9786820-G-A.
Other names: c.2746G>A, p.Ala916Thr (NM_001319049.2); c.3028G>A, p.Ala1010Thr (NM_001319050.2); c.3046G>A, p.Ala1016Thr (NM_001410704.1); c.3031G>A, p.Ala1011Thr (NM_004634.3); short protein forms A1010T, A1011T, A1016T, A1017T, A916T.
Identifiers: ClinVar variation 2576871 (VCV002576871.1), dbSNP rs1253140911, ClinGen allele CA351703051.

ClinVar aggregate classification (germline): Uncertain significance (1 of 4 stars; one submission).

Allele frequency attached by ClinVar (database versions not stated): gnomAD exomes below 0.00001; TOPMed below 0.00001; gnomAD 0.00001.
gnomAD v4.1: 3 of 1,614,016 alleles (0.00019%); highest among the groups gnomAD compares: East Asian, 0.0022%; no homozygotes.

Submission:

GeneDx
Classification: Uncertain significance. Last evaluated: 2023-02-16. Review status: criteria provided, single submitter. Criteria: GeneDx Variant Classification Process June 2021. Collection method: clinical testing. Allele origin: germline. Affected: yes.
Comment: Not observed at significant frequency in large population cohorts (gnomAD); In silico analysis supports that this missense variant does not alter protein structure/function; Has not been previously published as pathogenic or benign to our knowledge